The following is an entry in ClinVar:

ClinVar aggregate classification (germline): Uncertain significance (1 of 4 stars; one submission).

gnomAD v4.1: 3 of 1,613,710 alleles (0.00019%); highest among the groups gnomAD compares: East Asian, 0.0022%; no homozygotes.

Submission:

Labcorp Genetics (formerly Invitae), Labcorp
Classification: Uncertain significance. Last evaluated: 2024-06-27. Review status: criteria provided, single submitter. Criteria: Invitae Variant Classification Sherloc (09022015). Collection method: clinical testing. Allele origin: germline.
Comment: This sequence change replaces lysine, which is basic and polar, with threonine, which is neutral and polar, at codon 450 of the DSG1 protein (p.Lys450Thr). This variant is not present in population databases (gnomAD no frequency). This variant has not been reported in the literature in individuals affected with DSG1-related conditions. Advanced modeling of protein sequence and biophysical properties (such as structural, functional, and spatial information, amino acid conservation, physicochemical variation, residue mobility, and thermodynamic stability) performed at Invitae indicates that this missense variant is not expected to disrupt DSG1 protein function with a negative predictive value of 80%. In summary, the available evidence is currently insufficient to determine the role of this variant in disease. Therefore, it has been classified as a Variant of Uncertain Significance.

NM_001942.4(DSG1):c.1349A>C (p.Lys450Thr)

Gene: DSG1 (desmoglein 1; plus strand). Cytogenetic location: 18q12.1.
Variant type: single nucleotide variant.
Coding change: c.1349A>C on transcript NM_001942.4 (MANE Select); coding-DNA position 1349, A replaced by C.
Protein change: p.Lys450Thr; replaces lysine 450 with threonine.
Molecular consequence: missense variant.
Genome position (GRCh38, 1-based): chr18:31,338,398, A>C. VCF-style: chr18-31338398-A-C. GRCh37 (hg19) VCF-style: chr18-28918361-A-C.
Other names: short protein forms K450T.
Identifiers: ClinVar variation 3604382 (VCV003604382.2).
Genomic context (GRCh38, chr18:31,338,398, plus strand): 5'-CTGACCTGCTAGCTGTTGATTCAAGAACAGGCAAACTCACTTTGAAAAATAAAGTTACCA[A>C]GGAACAGTACAATATGCTCGGAGGAAAATACCAAGGAACGATTCTCTCTATAGATGGTAA-3'
Protein context (NP_001933.2, residues 440-460): GKLTLKNKVT[Lys450Thr]EQYNMLGGKY